The following is an entry in ClinVar:

NM_001009944.3(PKD1):c.9898G>A (p.Gly3300Arg)

Gene: PKD1 (polycystin 1, transient receptor potential channel interacting; minus strand). Cytogenetic location: 16p13.3.
Variant type: single nucleotide variant.
Coding change: c.9898G>A on transcript NM_001009944.3 (MANE Select); coding-DNA position 9898, G replaced by A.
Protein change: p.Gly3300Arg; replaces glycine 3300 with arginine.
Molecular consequence: missense variant.
Genome position (GRCh38, 1-based): chr16:2,099,886, C>T on the plus strand (G>A on the coding strand, the complement: PKD1 is on the minus strand). VCF-style: chr16-2099886-C-T. GRCh37 (hg19) VCF-style: chr16-2149887-C-T.
Other names: c.9898G>A, p.Gly3300Arg (NM_000296.4); short protein forms G3300R.
Identifiers: ClinVar variation 427112 (VCV000427112.20), dbSNP rs777024498, ClinGen allele CA7829894.

ClinVar aggregate classification (germline): Conflicting classifications of pathogenicity. Review status: criteria provided, conflicting classifications (1 of 4 stars). 6 submissions from 6 submitters: Uncertain significance (4); Likely benign (2). Last evaluated 2026-02-03.

Conditions:
Chronic kidney disease. Identifiers: MedGen C1561643, MONDO:0005300, HP:0012622.
Polycystic kidney disease, adult type (PKD1). Also called: Polycystic Kidney, Autosomal Dominant; Polycystic Kidney Disease 1, Autosomal Dominant; Polycystic kidney disease 1; Polycystic kidney disease 1, severe; POLYCYSTIC KIDNEY DISEASE, ADULT, TYPE I; POLYCYSTIC KIDNEY DISEASE 1 WITH OR WITHOUT POLYCYSTIC LIVER DISEASE. Identifiers: MedGen C3149841, MONDO:0008263, OMIM 173900.

Allele frequency attached by ClinVar (database versions not stated): gnomAD 0.00011 and 0.00012; TOPMed 0.00013; gnomAD exomes 0.00014 and 0.00030; ExAC 0.00020.
gnomAD v4.1: 442 of 1,566,318 alleles (0.028%); highest among the groups gnomAD compares: Non-Finnish European, 0.036%; no homozygotes.

Submissions (6):

Women's Health and Genetics/Laboratory Corporation of America, LabCorp
Classification: Uncertain significance. Last evaluated: 2026-02-03. Review status: criteria provided, single submitter. Criteria: LabCorp Variant Classification Summary - May 2015. Collection method: clinical testing. Allele origin: germline.
Comment: Variant summary: PKD1 c.9898G>A (p.Gly3300Arg) results in a non-conservative amino acid change in the encoded protein sequence. Algorithms developed to predict the effect of missense changes on protein structure and function are either unavailable or do not agree on the potential impact of this missense change. The variant allele was found at a frequency of 0.00014 in 166164 control chromosomes. This frequency is not significantly higher than estimated for disease-causing variants in PKD1, allowing no conclusion about variant significance. c.9898G>A has been observed in heterozygous individual(s) affected with Polycystic Kidney Disease 1 (Cornec-Le Gall_2013, Qin_2025). These report(s) do not provide unequivocal conclusions about association of the variant with Polycystic Kidney Disease 1. To our knowledge, no experimental evidence demonstrating an impact on protein function has been reported. The following publications have been ascertained in the context of this evaluation (PMID: 31589614, 23431072, 39430052). ClinVar contains an entry for this variant (Variation ID: 427112). Based on the evidence outlined above, the variant was classified as uncertain significance.

Blueprint Genetics
Classification: Likely benign. Last evaluated: 2024-09-20. Review status: criteria provided, single submitter. Criteria: ACMG Guidelines, 2015. Collection method: clinical testing. Allele origin: germline.

GeneDx
Classification: Uncertain significance. Last evaluated: 2022-10-26. Review status: criteria provided, single submitter. Criteria: GeneDx Variant Classification Process June 2021. Collection method: clinical testing. Allele origin: germline. Affected: yes.
Comment: In silico analysis supports that this missense variant has a deleterious effect on protein structure/function; This variant is associated with the following publications: (PMID: 31589614, 32398770, 23431072)

Cavalleri Lab, Royal College of Surgeons in Ireland
Classification: Uncertain significance for Chronic kidney disease. Last evaluated: 2020-05-28. Review status: criteria provided, single submitter. Criteria: ACMG Guidelines, 2015. Collection method: research. Allele origin: unknown. Inheritance: Autosomal dominant inheritance. Affected: yes.
Comment: PP3, PP5

University of Iowa Renal Genetics Clinic, University of Iowa
Classification: Likely benign for Polycystic kidney disease, adult type. Last evaluated: 2020-03-25. Review status: criteria provided, single submitter. Criteria: ACMG Guidelines, 2015. Collection method: clinical testing. Allele origin: germline. Inheritance: Autosomal dominant inheritance. Affected: yes and no. Observed: 3 hemizygotes. Clinical features observed: Polycystic kidney disease (HP:0000113), Stage 4 chronic kidney disease (HP:0012626).
Comment: Segregation analysis of the Gly3300Arg variant in an unaffected family member provides evidence this variant now meets ACMG pathogenicity criteria BS4 and BP5 and is therefore classified as likely benign.

ARUP Laboratories, Molecular Genetics and Genomics, ARUP Laboratories
Classification: Uncertain significance for Polycystic kidney disease, adult type. Last evaluated: 2020-01-30. Review status: criteria provided, single submitter. Criteria: ARUP Molecular Germline Variant Investigation Process. Collection method: clinical testing. Allele origin: germline.
Comment: The PKD1 c.9898G>A; p.Gly3300Arg variant (rs777024498) is reported in the literature in at least one individual affected with autosomal dominant polycystic kidney disease (Cornec-Le Gall 2013). This variant is reported in ClinVar (Variation ID: 427112), and is found in the general population with an overall allele frequency of 0.012% (24/197542 alleles) in the Genome Aggregation Database. The glycine at codon 3300 is highly conserved, and computational analyses (SIFT: damaging, PolyPhen-2: benign) predict conflicting effects of this variant on protein structure/function. Due to limited information, the clinical significance of the p.Gly3300Arg variant is uncertain at this time References: Cornec-Le Gall E et al. Type of PKD1 mutation influences renal outcome in ADPKD. J Am Soc Nephrol. 2013 May;24(6):1006-13.

Literature cited by the submitters: PubMed 31589614 (cited by Women's Health and Genetics/Laboratory Corporation of America, LabCorp); PubMed 23431072 (cited by Women's Health and Genetics/Laboratory Corporation of America, LabCorp); PubMed 39430052 (cited by Women's Health and Genetics/Laboratory Corporation of America, LabCorp).